The following is an entry in ClinVar:

NM_004260.4(RECQL4):c.907G>T (p.Val303Leu)

Gene: RECQL4 (RecQ like helicase 4; minus strand). Cytogenetic location: 8q24.3.
Variant type: single nucleotide variant.
Coding change: c.907G>T on transcript NM_004260.4 (MANE Select); coding-DNA position 907, G replaced by T.
Protein change: p.Val303Leu; replaces valine 303 with leucine.
Molecular consequence: missense variant.
Genome position (GRCh38, 1-based): chr8:144,516,212, C>A on the plus strand (G>T on the coding strand, the complement: RECQL4 is on the minus strand). VCF-style: chr8-144516212-C-A. GRCh37 (hg19) VCF-style: chr8-145741596-C-A.
Other names: short protein forms V303L.
Identifiers: ClinVar variation 459527 (VCV000459527.7), dbSNP rs1489813654, ClinGen allele CA372688695.

ClinVar aggregate classification (germline): Uncertain significance. Review status: criteria provided, multiple submitters, no conflicts (2 of 4 stars). 2 submissions from 2 submitters: Uncertain significance (2). Last evaluated 2025-04-30.

Conditions:
Inborn genetic diseases. Identifiers: MedGen C0950123, MeSH D030342.
Baller-Gerold syndrome (BGS). Also called: CRANIOSYNOSTOSIS WITH RADIAL DEFECTS. Identifiers: Orphanet 1225, MedGen C0265308, MONDO:0009039, OMIM 218600.

Allele frequency attached by ClinVar (database versions not stated): TOPMed below 0.00001.
gnomAD v4.1: 26 of 1,613,288 alleles (0.0016%); highest among the groups gnomAD compares: Non-Finnish European, 0.0021%; no homozygotes.

Submissions (2):

Labcorp Genetics (formerly Invitae), Labcorp
Classification: Uncertain significance for Baller-Gerold syndrome. Last evaluated: 2025-04-30. Review status: criteria provided, single submitter. Criteria: Invitae Variant Classification Sherloc (09022015). Collection method: clinical testing. Allele origin: germline.
Comment: This sequence change replaces valine, which is neutral and non-polar, with leucine, which is neutral and non-polar, at codon 303 of the RECQL4 protein (p.Val303Leu). This variant is present in population databases (no rsID available, gnomAD 0.0009%). This variant has not been reported in the literature in individuals affected with RECQL4-related conditions. ClinVar contains an entry for this variant (Variation ID: 459527). Invitae Evidence Modeling of protein sequence and biophysical properties (such as structural, functional, and spatial information, amino acid conservation, physicochemical variation, residue mobility, and thermodynamic stability) indicates that this missense variant is not expected to disrupt RECQL4 protein function with a negative predictive value of 80%. In summary, the available evidence is currently insufficient to determine the role of this variant in disease. Therefore, it has been classified as a Variant of Uncertain Significance.

Ambry Genetics
Classification: Uncertain significance for Inborn genetic diseases. Last evaluated: 2025-03-18. Review status: criteria provided, single submitter. Criteria: Ambry Variant Classification Scheme 2023. Collection method: clinical testing. Allele origin: germline.